The following is an entry in ClinVar:

ClinVar aggregate classification (germline): Uncertain significance. Review status: criteria provided, multiple submitters, no conflicts (2 of 4 stars). 2 submissions from 2 submitters: Uncertain significance (2). Last evaluated 2024-09-03.

Conditions:
Pyogenic arthritis-pyoderma gangrenosum-acne syndrome (PAPA). Also called: FAMILIAL RECURRENT ARTHRITIS; PAPA SYNDROME. Identifiers: Orphanet 69126, MedGen C1858361, MONDO:0011462, OMIM 604416.

Allele frequency attached by ClinVar (database versions not stated): ExAC 0.00001; gnomAD 0.00001; gnomAD exomes 0.00002; TOPMed 0.00002.
gnomAD v4.1: 38 of 1,607,578 alleles (0.0024%); highest among the groups gnomAD compares: African/African-American, 0.0053%; no homozygotes.

Submissions (2):

Labcorp Genetics (formerly Invitae), Labcorp
Classification: Uncertain significance for Pyogenic arthritis-pyoderma gangrenosum-acne syndrome. Last evaluated: 2024-09-03. Review status: criteria provided, single submitter. Criteria: Invitae Variant Classification Sherloc (09022015). Collection method: clinical testing. Allele origin: germline.
Comment: This sequence change replaces alanine, which is neutral and non-polar, with valine, which is neutral and non-polar, at codon 366 of the PSTPIP1 protein (p.Ala366Val). This variant is present in population databases (rs773832598, gnomAD 0.007%). This variant has not been reported in the literature in individuals affected with PSTPIP1-related conditions. ClinVar contains an entry for this variant (Variation ID: 839485). Invitae Evidence Modeling of protein sequence and biophysical properties (such as structural, functional, and spatial information, amino acid conservation, physicochemical variation, residue mobility, and thermodynamic stability) indicates that this missense variant is not expected to disrupt PSTPIP1 protein function with a negative predictive value of 80%. In summary, the available evidence is currently insufficient to determine the role of this variant in disease. Therefore, it has been classified as a Variant of Uncertain Significance.

Breakthrough Genomics
Classification: Uncertain significance. Review status: criteria provided, single submitter. Criteria: ACMG Guidelines, 2015. Collection method: not provided. Allele origin: germline. Inheritance: Autosomal dominant inheritance. Affected: yes.

NM_003978.5(PSTPIP1):c.1097C>T (p.Ala366Val)

Gene: PSTPIP1 (proline-serine-threonine phosphatase interacting protein 1; plus strand). Cytogenetic location: 15q24.3.
Variant type: single nucleotide variant.
Coding change: c.1097C>T on transcript NM_003978.5 (MANE Select); coding-DNA position 1097, C replaced by T.
Protein change: p.Ala366Val; replaces alanine 366 with valine.
Molecular consequence: missense variant. On other transcripts: non-coding transcript variant (1).
Genome position (GRCh38, 1-based): chr15:77,035,913, C>T. VCF-style: chr15-77035913-C-T. GRCh37 (hg19) VCF-style: chr15-77328254-C-T.
Other names: c.1040C>T, p.Ala347Val (NM_001321135.2); c.1070C>T, p.Ala357Val (NM_001321136.2); c.1292C>T, p.Ala431Val (NM_001321137.1); short protein forms A357V, A431V, A347V, A366V.
Identifiers: ClinVar variation 839485 (VCV000839485.10), dbSNP rs773832598, ClinGen allele CA7676160.